The following is an entry in ClinVar:

ClinVar aggregate classification (germline): Uncertain significance (1 of 4 stars; one submission).

Conditions:
Brugada syndrome 8 (BRGDA8). Identifiers: Orphanet 130, MedGen C2751083, MONDO:0013148, OMIM 613123.

gnomAD v4.1: 1 of 1,536,186 alleles (0.000065%); highest among the groups gnomAD compares: Middle Eastern, 0.018%; no homozygotes.

Submission:

Labcorp Genetics (formerly Invitae), Labcorp
Classification: Uncertain significance for Brugada syndrome 8. Last evaluated: 2024-12-16. Review status: criteria provided, single submitter. Criteria: Invitae Variant Classification Sherloc (09022015). Collection method: clinical testing. Allele origin: germline.
Comment: This sequence change replaces glycine, which is neutral and non-polar, with glutamic acid, which is acidic and polar, at codon 1012 of the HCN4 protein (p.Gly1012Glu). This variant is not present in population databases (gnomAD no frequency). This variant has not been reported in the literature in individuals affected with HCN4-related conditions. Invitae Evidence Modeling of protein sequence and biophysical properties (such as structural, functional, and spatial information, amino acid conservation, physicochemical variation, residue mobility, and thermodynamic stability) indicates that this missense variant is not expected to disrupt HCN4 protein function with a negative predictive value of 95%. In summary, the available evidence is currently insufficient to determine the role of this variant in disease. Therefore, it has been classified as a Variant of Uncertain Significance.

NM_005477.3(HCN4):c.3035G>A (p.Gly1012Glu)

Gene: HCN4 (hyperpolarization activated cyclic nucleotide gated potassium channel 4; minus strand). Cytogenetic location: 15q24.1.
Variant type: single nucleotide variant.
Coding change: c.3035G>A on transcript NM_005477.3 (MANE Select); coding-DNA position 3035, G replaced by A.
Protein change: p.Gly1012Glu; replaces glycine 1012 with glutamic acid.
Molecular consequence: missense variant.
Genome position (GRCh38, 1-based): chr15:73,323,058, C>T on the plus strand (G>A on the coding strand, the complement: HCN4 is on the minus strand). VCF-style: chr15-73323058-C-T. GRCh37 (hg19) VCF-style: chr15-73615399-C-T.
Other names: short protein forms G1012E.
Identifiers: ClinVar variation 3670296 (VCV003670296.2).